The following is an entry in ClinVar:

NM_006612.6(KIF1C):c.2987G>A (p.Ser996Asn)

Gene: KIF1C (kinesin family member 1C; plus strand). Cytogenetic location: 17p13.2.
Variant type: single nucleotide variant.
Coding change: c.2987G>A on transcript NM_006612.6 (MANE Select); coding-DNA position 2987, G replaced by A.
Protein change: p.Ser996Asn; replaces serine 996 with asparagine.
Molecular consequence: missense variant.
Genome position (GRCh38, 1-based): chr17:5,023,826, G>A. VCF-style: chr17-5023826-G-A. GRCh37 (hg19) VCF-style: chr17-4927121-G-A.
Other names: p.Ser996Asn; short protein forms S996N.
Identifiers: ClinVar variation 468856 (VCV000468856.35), dbSNP rs115332491, ClinGen allele CA8319446.

ClinVar aggregate classification (germline): Benign. Review status: criteria provided, multiple submitters, no conflicts (2 of 4 stars). 7 submissions from 7 submitters: Benign (6). 1 of the submissions does not count toward it. Last evaluated 2026-07-01.

Conditions:
KIF1C-related disorder. Also called: KIF1C-related condition.
Spastic ataxia 2. Also called: Ataxia, spastic, 2, autosomal recessive. Identifiers: Orphanet 397946, MedGen C1969796, MONDO:0012651, OMIM 611302.
Hereditary spastic paraplegia. Also called: Familial spastic paraparesis. Identifiers: Orphanet 685, MedGen C0037773, MONDO:0019064. Disease mechanism: loss of function.

Allele frequency attached by ClinVar (database versions not stated): gnomAD exomes 0.00253 and 0.00915; ExAC 0.00856; gnomAD 0.01455 and 0.01470; ESP Exome Variant Server 0.01491; TOPMed 0.01670; 1000 Genomes Project 30x 0.02483; 1000 Genomes Project 0.02696.
gnomAD v4.1: 5,853 of 1,518,520 alleles (0.39%); highest among the groups gnomAD compares: East Asian, 4.5%; 116 homozygotes.

Submissions (7):

CeGaT Center for Human Genetics Tuebingen
Classification: Benign. Last evaluated: 2026-07-01. Review status: criteria provided, single submitter. Criteria: CeGaT Center For Human Genetics Tuebingen Variant Classification Criteria Version 2. Collection method: clinical testing. Allele origin: germline. Affected: yes. Observed: 9 variant alleles.
Comment: KIF1C: BS1, BS2

Labcorp Genetics (formerly Invitae), Labcorp
Classification: Benign for Spastic ataxia 2. Last evaluated: 2026-01-27. Review status: criteria provided, single submitter. Criteria: Invitae Variant Classification Sherloc (09022015). Collection method: clinical testing. Allele origin: germline.

Mayo Clinic Laboratories, Mayo Clinic
Classification: Benign. Last evaluated: 2024-04-03. Review status: criteria provided, single submitter. Criteria: ACMG Guidelines, 2015. Collection method: clinical testing. Allele origin: germline. Observed: 4 variant alleles.
Comment: BS1, BS2, BP4

Genome Diagnostics Laboratory, The Hospital for Sick Children
Classification: Benign for Hereditary spastic paraplegia. Last evaluated: 2022-01-14. Review status: criteria provided, single submitter. Criteria: ACMG Guidelines, 2015. Collection method: clinical testing. Allele origin: germline. Affected: yes.

GeneDx
Classification: Benign. Last evaluated: 2019-08-03. Review status: criteria provided, single submitter. Criteria: GeneDx Variant Classification Process June 2021. Collection method: clinical testing. Allele origin: germline. Affected: yes.
Comment: This variant is associated with the following publications: (PMID: 32501971)

Breakthrough Genomics
Classification: Benign. Review status: criteria provided, single submitter. Criteria: ACMG Guidelines, 2015. Collection method: not provided. Allele origin: germline. Inheritance: Autosomal recessive inheritance. Affected: yes.

PreventionGenetics, part of Exact Sciences
Classification: Benign for KIF1C-related condition. Last evaluated: 2019-09-04. Review status: no assertion criteria provided. Collection method: clinical testing. Allele origin: germline. Not counted in ClinVar's aggregate classification.
Comment: This variant is classified as benign based on ACMG/AMP sequence variant interpretation guidelines (Richards et al. 2015 PMID: 25741868, with internal and published modifications).